The following is an entry in ClinVar:

NM_199242.3(UNC13D):c.3182G>A (p.Arg1061Gln)

Gene: UNC13D (unc-13 homolog D; minus strand). Cytogenetic location: 17q25.1.
Variant type: single nucleotide variant.
Coding change: c.3182G>A on transcript NM_199242.3 (MANE Select); coding-DNA position 3182, G replaced by A.
Protein change: p.Arg1061Gln; replaces arginine 1061 with glutamine.
Molecular consequence: missense variant.
Genome position (GRCh38, 1-based): chr17:75,828,056, C>T on the plus strand (G>A on the coding strand, the complement: UNC13D is on the minus strand). VCF-style: chr17-75828056-C-T. GRCh37 (hg19) VCF-style: chr17-73824137-C-T.
Other names: c.3182G>A (NM_199242.2); short protein forms R1061Q.
Identifiers: ClinVar variation 1023733 (VCV001023733.5), dbSNP rs79891552, ClinGen allele CA8772231.

ClinVar aggregate classification (germline): Uncertain significance. Review status: criteria provided, multiple submitters, no conflicts (2 of 4 stars). 2 submissions from 2 submitters: Uncertain significance (2). Last evaluated 2025-01-16.

Conditions:
Familial hemophagocytic lymphohistiocytosis 3 (FHL3). Also called: UNC13D-Related Familial Hemophagocytic Lymphohistiocytosis (UNC13D-fHLH). Identifiers: Orphanet 540, MedGen C1837174, MONDO:0012146, OMIM 608898.
Inborn genetic diseases. Identifiers: MedGen C0950123, MeSH D030342.

Allele frequency attached by ClinVar (database versions not stated): gnomAD 0.00001; TOPMed 0.00001; gnomAD exomes 0.00006 and 0.00012; 1000 Genomes Project 0.00020; ExAC 0.00024; 1000 Genomes Project 30x 0.00031.

Submissions (2):

Ambry Genetics
Classification: Uncertain significance for Inborn genetic diseases. Last evaluated: 2025-01-16. Review status: criteria provided, single submitter. Criteria: Ambry Variant Classification Scheme 2023. Collection method: clinical testing. Allele origin: germline.

Labcorp Genetics (formerly Invitae), Labcorp
Classification: Uncertain significance for Familial hemophagocytic lymphohistiocytosis 3. Last evaluated: 2022-09-07. Review status: criteria provided, single submitter. Criteria: Invitae Variant Classification Sherloc (09022015). Collection method: clinical testing. Allele origin: germline.
Comment: This sequence change replaces arginine, which is basic and polar, with glutamine, which is neutral and polar, at codon 1061 of the UNC13D protein (p.Arg1061Gln). This variant is present in population databases (rs79891552, gnomAD 0.07%), including at least one homozygous and/or hemizygous individual. This variant has not been reported in the literature in individuals affected with UNC13D-related conditions. ClinVar contains an entry for this variant (Variation ID: 1023733). Algorithms developed to predict the effect of missense changes on protein structure and function are either unavailable or do not agree on the potential impact of this missense change (SIFT: "Not Available"; PolyPhen-2: "Probably Damaging"; Align-GVGD: "Not Available"). In summary, the available evidence is currently insufficient to determine the role of this variant in disease. Therefore, it has been classified as a Variant of Uncertain Significance.